The following is an entry in ClinVar:

NM_152594.3(SPRED1):c.1037A>G (p.Glu346Gly)

Gene: SPRED1 (sprouty related EVH1 domain containing 1; plus strand). Cytogenetic location: 15q14.
Variant type: single nucleotide variant.
Coding change: c.1037A>G on transcript NM_152594.3 (MANE Select); coding-DNA position 1037, A replaced by G.
Protein change: p.Glu346Gly; replaces glutamic acid 346 with glycine.
Molecular consequence: missense variant.
Genome position (GRCh38, 1-based): chr15:38,351,366, A>G. VCF-style: chr15-38351366-A-G. GRCh37 (hg19) VCF-style: chr15-38643567-A-G.
Other names: short protein forms E346G.
Identifiers: ClinVar variation 3800921 (VCV003800921.1).

ClinVar aggregate classification (germline): Uncertain significance (1 of 4 stars; one submission).

Conditions:
Cardiovascular phenotype. Identifiers: MedGen CN230736.

gnomAD v4.1: 2 of 1,614,116 alleles (0.00012%); highest among the groups gnomAD compares: Non-Finnish European, 0.00017%; no homozygotes.

Submission:

Ambry Genetics
Classification: Uncertain significance for Cardiovascular phenotype. Last evaluated: 2025-02-15. Review status: criteria provided, single submitter. Criteria: Ambry Variant Classification Scheme 2023. Collection method: clinical testing. Allele origin: germline.
Comment: The p.E346G variant (also known as c.1037A>G), located in coding exon 7 of the SPRED1 gene, results from an A to G substitution at nucleotide position 1037. The glutamic acid at codon 346 is replaced by glycine, an amino acid with similar properties. This amino acid position is conserved. In addition, this alteration is predicted to be tolerated by in silico analysis. Based on the available evidence, the clinical significance of this variant remains unclear.